The following is an entry in ClinVar:

NM_001352514.2(HLCS):c.1437+1_1437+2delinsATCC

Gene: HLCS (holocarboxylase synthetase; minus strand). Cytogenetic location: 21q22.13.
Variant type: Indel.
Coding change: c.1437+1_1437+2delinsATCC on transcript NM_001352514.2 (MANE Select); the canonical splice donor site of the intron after coding-DNA position 1437, GT replaced by ATCC.
Molecular consequence: splice donor variant.
Genome position (GRCh38, 1-based): chr21:36,936,447-36,936,448, AC replaced by GGAT on the plus strand (GT replaced by ATCC on the coding strand, the reverse complement: HLCS is on the minus strand). VCF-style: chr21-36936447-AC-GGAT. GRCh37 (hg19) VCF-style: chr21-38308747-AC-GGAT.
Other names: c.996+1_996+2delinsATCC (NM_001352517.1, NM_001242785.2, NM_001352515.2 and 4 more transcripts).
Identifiers: ClinVar variation 5004065 (VCV005004065.1).

ClinVar aggregate classification (germline): Likely pathogenic (1 of 4 stars; one submission).

Conditions:
Holocarboxylase synthetase deficiency. Also called: MULTIPLE CARBOXYLASE DEFICIENCY, EARLY ONSET. Identifiers: Orphanet 79242, MedGen C0268581, MONDO:0009666, OMIM 253270.

Submission:

Myriad Genetics, Inc.
Classification: Likely pathogenic for Holocarboxylase synthetase deficiency. Last evaluated: 2025-07-16. Review status: criteria provided, single submitter. Criteria: Myriad Autosomal Dominant, Autosomal Recessive and X-Linked Classification Criteria (2023). Collection method: clinical testing. Allele origin: unknown.
Comment: NM_000411.6(HLCS):c.996+1_996+2delGTinsATCC is a variant in a canonical splice site classified as likely pathogenic in the context of holocarboxylase synthetase deficiency. c.996+1_996+2delGTinsATCC has not been observed in cases with relevant disease. Relevant functional assessments of this variant are not available in the literature. c.996+1_996+2delGTinsATCC has not been observed in referenced population frequency databases. In summary, NM_000411.6(HLCS):c.996+1_996+2delGTinsATCC is a variant in a canonical splice site in a gene where loss of function is a known mechanism of disease and is predicted to disrupt protein function. Please note: this variant was assessed in the context of healthy population screening.